The following is an entry in ClinVar:

ClinVar aggregate classification (germline): Conflicting classifications of pathogenicity. Review status: criteria provided, conflicting classifications (1 of 4 stars). 2 submissions from 2 submitters: Uncertain significance (1); Benign (1). Last evaluated 2025-02-09.

Conditions:
Familial hypobetalipoproteinemia 1. Also called: APOB-Related Familial Hypobetalipoproteinemia; Hypobetalipoproteinemia, normotriglyceridemic; Acanthocytosis with hypobetalipoproteinemia. Identifiers: MedGen C4551990, MONDO:0014252, OMIM 615558.
Hypercholesterolemia, autosomal dominant, type B (FHCL2). Also called: Familial Hypercholesterolemia Type B; APOLIPOPROTEIN B-100, FAMILIAL DEFECTIVE; APOLIPOPROTEIN B-100, FAMILIAL LIGAND-DEFECTIVE; HYPERCHOLESTEROLEMIA, FAMILIAL, DUE TO LIGAND-DEFECTIVE APOLIPOPROTEIN B; APOB-Related Familial Hypercholesterolemia, Autosomal Dominant; Familial hypercholesterolemia 2. Identifiers: MedGen C1704417, MONDO:0007751, OMIM 144010.
Cardiovascular phenotype. Identifiers: MedGen CN230736.

Allele frequency attached by ClinVar (database versions not stated): gnomAD 0.00001; gnomAD exomes 0.00001.
gnomAD v4.1: 16 of 1,614,004 alleles (0.00099%); highest among the groups gnomAD compares: Admixed American, 0.0017%; no homozygotes.

Submissions (2):

Ambry Genetics
Classification: Uncertain significance for Cardiovascular phenotype. Last evaluated: 2025-02-09. Review status: criteria provided, single submitter. Criteria: Ambry Variant Classification Scheme 2023. Collection method: clinical testing. Allele origin: germline.
Comment: The p.S2501N variant (also known as c.7502G>A), located in coding exon 26 of the APOB gene, results from a G to A substitution at nucleotide position 7502. The serine at codon 2501 is replaced by asparagine, an amino acid with highly similar properties. This amino acid position is conserved. In addition, this alteration is predicted to be tolerated by in silico analysis. Based on the available evidence, the clinical significance of this variant remains unclear.

Labcorp Genetics (formerly Invitae), Labcorp
Classification: Benign for Familial hypobetalipoproteinemia 1; Hypercholesterolemia, autosomal dominant, type B. Last evaluated: 2024-08-21. Review status: criteria provided, single submitter. Criteria: Invitae Variant Classification Sherloc (09022015). Collection method: clinical testing. Allele origin: germline.

NM_000384.3(APOB):c.7502G>A (p.Ser2501Asn)

Gene: APOB (apolipoprotein B; minus strand). Cytogenetic location: 2p24.1.
Variant type: single nucleotide variant.
Coding change: c.7502G>A on transcript NM_000384.3 (MANE Select); coding-DNA position 7502, G replaced by A.
Protein change: p.Ser2501Asn; replaces serine 2501 with asparagine.
Molecular consequence: missense variant.
Genome position (GRCh38, 1-based): chr2:21,009,366, C>T on the plus strand (G>A on the coding strand, the complement: APOB is on the minus strand). VCF-style: chr2-21009366-C-T. GRCh37 (hg19) VCF-style: chr2-21232238-C-T.
Other names: c.7502G>A (NM_000384.2); short protein forms S2501N.
Identifiers: ClinVar variation 1518207 (VCV001518207.9), dbSNP rs893804958, ClinGen allele CA43502502.